The following is an entry in ClinVar:

NM_004937.3(CTNS):c.970+15G>A

Gene: CTNS (cystinosin, lysosomal cystine transporter; plus strand). Cytogenetic location: 17p13.2.
Variant type: single nucleotide variant.
Coding change: c.970+15G>A on transcript NM_004937.3 (MANE Select); 15 bases into the intron after coding-DNA position 970, G replaced by A.
Molecular consequence: intron variant.
Genome position (GRCh38, 1-based): chr17:3,659,990, G>A. VCF-style: chr17-3659990-G-A. GRCh37 (hg19) VCF-style: chr17-3563284-G-A.
Other names: c.970+15G>A (NM_001031681.3, NM_001374492.1); c.529+15G>A (NM_001374493.1, NM_001374495.1, NM_001374494.1 and 1 more transcripts).
Identifiers: ClinVar variation 257158 (VCV000257158.21), dbSNP rs76153698, ClinGen allele CA8291971.
Genomic context (GRCh38, chr17:3,659,990, plus strand): 5'-GGCAGCTTCAGCCTCCTGCAGATGTTCCTCCAGTCCTACAACAACGGTGAGTCAGCCAGC[G>A]GGCTGCTGGCCACCCTGCGGCTGGGGCATCGGGCGGGGCCAGCCTTCCCGGGACCTTCCA-3'

ClinVar aggregate classification (germline): Benign. Review status: criteria provided, multiple submitters, no conflicts (2 of 4 stars). 8 submissions from 7 submitters: Benign (7). 1 of the submissions does not count toward it. Last evaluated 2026-02-04.

Conditions:
Inborn genetic diseases. Identifiers: MedGen C0950123, MeSH D030342.
Ocular cystinosis. Also called: Non-Nephropathic Cystinosis; Non-Nephropathic (Ocular) Cystinosis. Identifiers: Orphanet 213, Orphanet 411641, MedGen C2931013, MONDO:0009064, OMIM 219750.
Juvenile nephropathic cystinosis. Also called: Intermediate Cystinosis; Later-Onset (Juvenile) Cystinosis; CYSTINOSIS, LATE-ONSET JUVENILE OR ADOLESCENT NEPHROPATHIC TYPE. Identifiers: Orphanet 213, Orphanet 411634, MedGen C0268626, MONDO:0009066, OMIM 219900.
Nephropathic cystinosis (CTNS). Also called: CYSTINOSIN, DEFECT OF; LYSOSOMAL CYSTINE TRANSPORT PROTEIN, DEFECT OF; Abderhalden Lignac Kaufmann disease; Abderhalden-Kaufmann-Lignac syndrome. Identifiers: Orphanet 213, Orphanet 411629, MedGen C2931187, MONDO:0100151, OMIM 219800.

Allele frequency attached by ClinVar (database versions not stated): 1000 Genomes Project 30x 0.03076; gnomAD 0.03184 and 0.03340; TOPMed 0.03212; 1000 Genomes Project 0.02915; ESP Exome Variant Server 0.03029.
gnomAD v4.1: 31,707 of 1,596,700 alleles (2%); highest among the groups gnomAD compares: African/African-American, 7%; 468 homozygotes.

Submissions (8):

Labcorp Genetics (formerly Invitae), Labcorp
Classification: Benign for Inborn genetic diseases; Ocular cystinosis; Juvenile nephropathic cystinosis. Last evaluated: 2026-02-04. Review status: criteria provided, single submitter. Criteria: Invitae Variant Classification Sherloc (09022015). Collection method: clinical testing. Allele origin: germline.

GeneDx
Classification: Benign. Last evaluated: 2018-12-31. Review status: criteria provided, single submitter. Criteria: GeneDx Variant Classification Process June 2021. Collection method: clinical testing. Allele origin: germline. Affected: yes.

Illumina Laboratory Services, Illumina
Classification: Benign for Ocular cystinosis. Last evaluated: 2018-01-13. Review status: criteria provided, single submitter. Criteria: ICSL Variant Classification Criteria 13 December 2019. Collection method: clinical testing. Allele origin: germline.
Comment: This variant was observed in the ICSL laboratory as part of a predisposition screen in an ostensibly healthy population. It had not been previously curated by ICSL or reported in the Human Gene Mutation Database (HGMD: prior to June 1st, 2018), and was therefore a candidate for classification through an automated scoring system. Utilizing variant allele frequency, disease prevalence and penetrance estimates, and inheritance mode, an automated score was calculated to assess if this variant is too frequent to cause the disease. Based on the score and internal cut-off values, a variant classified as benign is not then subjected to further curation. The score for this variant resulted in a classification of benign for this disease.

Illumina Laboratory Services, Illumina
Classification: Benign for Nephropathic cystinosis. Last evaluated: 2018-01-13. Review status: criteria provided, single submitter. Criteria: ICSL Variant Classification Criteria 13 December 2019. Collection method: clinical testing. Allele origin: germline.
Comment: the same text as in the submission from Illumina Laboratory Services, Illumina above.

Women's Health and Genetics/Laboratory Corporation of America, LabCorp
Classification: Benign. Last evaluated: 2017-06-05. Review status: criteria provided, single submitter. Criteria: LabCorp Variant Classification Summary - May 2015. Collection method: clinical testing. Allele origin: germline.
Comment: Variant summary: The CTNS c.970+15G>A variant involves the alteration of a non-conserved intronic nucleotide at a position not widely known to affect gene splicing. Mutation taster predicts a benign outcome for this variant. This variant was found in 2496/120078 control chromosomes (45 homozygotes) from ExAC at a frequency of 0.0207865, which is approximately 8 times the estimated maximal expected allele frequency of a pathogenic CTNS variant (0.0025), suggesting this variant is likely a benign polymorphism. It is more common in African subpopulation with an allele frequency of 6.5% (674/10238 chromosomes). In addition, multiple clinical diagnostic laboratories/reputable databases have classified this variant as likely benign/benign. Taken together, this variant is classified as benign.

Breakthrough Genomics
Classification: Benign. Review status: criteria provided, single submitter. Criteria: ACMG Guidelines, 2015. Collection method: not provided. Allele origin: germline. Inheritance: Autosomal recessive inheritance. Affected: yes.

PreventionGenetics, part of Exact Sciences
Classification: Benign. Review status: criteria provided, single submitter. Criteria: ACMG Guidelines, 2015. Collection method: clinical testing. Allele origin: germline.

Mayo Clinic Laboratories, Mayo Clinic
Classification: Benign. Last evaluated: 2016-02-03. Review status: no assertion criteria provided. Collection method: clinical testing. Allele origin: unknown. Not counted in ClinVar's aggregate classification.

Literature cited by the submitters: PubMed 21786142 (cited by Women's Health and Genetics/Laboratory Corporation of America, LabCorp).